The following is an entry in ClinVar:

ClinVar aggregate classification (germline): Pathogenic (3 of 4 stars; one submission).

Conditions:
Breast-ovarian cancer, familial, susceptibility to, 1 (BROVCA1). Also called: BRCA1 Hereditary Breast and Ovarian Cancer; OVARIAN CANCER, SUSCEPTIBILITY TO. Identifiers: Orphanet 145, MedGen C2676676, MONDO:0011450, OMIM 604370. Disease mechanism: loss of function.

Submission:

Evidence-based Network for the Interpretation of Germline Mutant Alleles (ENIGMA)
Classification: Pathogenic for Breast-ovarian cancer, familial, susceptibility to, 1. Last evaluated: 2017-12-15. Review status: reviewed by expert panel. Criteria: ENIGMA BRCA1/2 Classification Criteria (2017-06-29). Collection method: curation. Allele origin: germline. Study: ENIGMA.
Comment: Variant allele predicted to encode a truncated non-functional protein.

NM_007294.4(BRCA1):c.3576_3577insAA (p.Phe1193fs)

Genes: BRCA1 (BRCA1 DNA repair associated; minus strand), LOC126862571 (BRD4-independent group 4 enhancer GRCh37_chr17:41243136-41244335; plus strand). Cytogenetic location: 17q21.31.
Variant type: Insertion.
Coding change: c.3576_3577insAA on transcript NM_007294.4 (MANE Select); coding-DNA positions 3576 to 3577, AA inserted.
Protein change: p.Phe1193fs; shifts the reading frame from phenylalanine 1193.
Molecular consequence: frameshift variant. On other transcripts: intron variant (135).
Genome position: GRCh38 VCF-style: chr17-43091954-A-ATT. GRCh37 (hg19) VCF-style: chr17-41243971-A-ATT.
Other names: c.3363_3364insAA, p.Phe1122fs (NM_001407571.1, NM_001407853.1, NM_001407894.1 and 9 more transcripts); c.3576_3577insAA, p.Phe1193fs (NM_001407581.1, NM_001407582.1, NM_001407583.1 and 30 more transcripts); c.3573_3574insAA, p.Phe1192fs (NM_001407587.1, NM_001407590.1, NM_001407591.1 and 22 more transcripts); c.3567_3568insAA, p.Phe1190fs (NM_001407646.1, NM_001407647.1); c.3453_3454insAA, p.Phe1152fs (NM_001407648.1, NM_001407664.1, NM_001407665.1 and 19 more transcripts); c.3450_3451insAA, p.Phe1151fs (NM_001407649.1, NM_001407670.1, NM_001407671.1 and 11 more transcripts); c.3498_3499insAA, p.Phe1167fs (NM_001407653.1, NM_001407654.1, NM_001407655.1 and 4 more transcripts); c.3495_3496insAA, p.Phe1166fs (NM_001407659.1, NM_001407660.1, NM_001407661.1 and 1 more transcripts); and 41 more; short protein forms F1146fs, F1193fs, F1082fs, F1151fs, F1152fs, F897fs, F1065fs, F1066fs.
Identifiers: ClinVar variation 548182 (VCV000548182.2), dbSNP rs1555587476, ClinGen allele CA658823970.